The following is an entry in ClinVar:

NM_001041.4(SI):c.5197+8C>T

Gene: SI (sucrase-isomaltase; minus strand). Cytogenetic location: 3q26.1.
Variant type: single nucleotide variant.
Coding change: c.5197+8C>T on transcript NM_001041.4 (MANE Select); 8 bases into the intron after coding-DNA position 5197, C replaced by T.
Molecular consequence: intron variant.
Genome position (GRCh38, 1-based): chr3:164,987,130, G>A on the plus strand (C>T on the coding strand, the complement: SI is on the minus strand). VCF-style: chr3-164987130-G-A. GRCh37 (hg19) VCF-style: chr3-164704918-G-A.
Identifiers: ClinVar variation 344001 (VCV000344001.14), dbSNP rs6799858, ClinGen allele CA2689627.

ClinVar aggregate classification (germline): Benign. Review status: criteria provided, multiple submitters, no conflicts (2 of 4 stars). 3 submissions from 3 submitters: Benign (3). Last evaluated 2026-02-01.

Conditions:
Sucrase-isomaltase deficiency (CSID). Also called: SI DEFICIENCY; Deficiency of isomaltase; Congenital sucrose isomaltose malabsorption; Sucrose isomaltose enzyme deficiency. Identifiers: Orphanet 35122, MedGen C1283620, MONDO:0009114, OMIM 222900.

Allele frequency attached by ClinVar (database versions not stated): gnomAD exomes 0.00476 and 0.01286; ExAC 0.01553; gnomAD 0.04883 and 0.05235; 1000 Genomes Project 0.05172; 1000 Genomes Project 30x 0.05418; ESP Exome Variant Server 0.05551; TOPMed 0.05636.
gnomAD v4.1: 14,677 of 1,598,402 alleles (0.92%); highest among the groups gnomAD compares: African/African-American, 17%; 1,140 homozygotes.

Submissions (3):

Labcorp Genetics (formerly Invitae), Labcorp
Classification: Benign. Last evaluated: 2026-02-01. Review status: criteria provided, single submitter. Criteria: Invitae Variant Classification Sherloc (09022015). Collection method: clinical testing. Allele origin: germline.

Illumina Laboratory Services, Illumina
Classification: Benign for Sucrase-isomaltase deficiency. Last evaluated: 2018-01-13. Review status: criteria provided, single submitter. Criteria: ICSL Variant Classification Criteria 13 December 2019. Collection method: clinical testing. Allele origin: germline.
Comment: This variant was observed in the ICSL laboratory as part of a predisposition screen in an ostensibly healthy population. It had not been previously curated by ICSL or reported in the Human Gene Mutation Database (HGMD: prior to June 1st, 2018), and was therefore a candidate for classification through an automated scoring system. Utilizing variant allele frequency, disease prevalence and penetrance estimates, and inheritance mode, an automated score was calculated to assess if this variant is too frequent to cause the disease. Based on the score and internal cut-off values, a variant classified as benign is not then subjected to further curation. The score for this variant resulted in a classification of benign for this disease.

Breakthrough Genomics
Classification: Benign. Review status: criteria provided, single submitter. Criteria: ACMG Guidelines, 2015. Collection method: not provided. Allele origin: germline. Inheritance: Autosomal recessive inheritance. Affected: yes.